The following is an entry in ClinVar:

ClinVar aggregate classification (germline): Conflicting classifications of pathogenicity. Review status: criteria provided, conflicting classifications (1 of 4 stars). 3 submissions from 3 submitters: Uncertain significance (1); Likely benign (1). 1 of the submissions does not count toward it. Last evaluated 2025-06-01.

Conditions:
DAAM2-related disorder. Also called: DAAM2-related condition.

gnomAD v4.1: 277 of 1,612,396 alleles (0.017%); highest among the groups gnomAD compares: African/African-American, 0.3%; no homozygotes.

Submissions (3):

CeGaT Center for Human Genetics Tuebingen
Classification: Uncertain significance. Last evaluated: 2025-06-01. Review status: criteria provided, single submitter. Criteria: CeGaT Center For Human Genetics Tuebingen Variant Classification Criteria Version 2. Collection method: clinical testing. Allele origin: germline. Affected: yes. Observed: 1 variant allele.
Comment: DAAM2: PM2, BP4

Blueprint Genetics
Classification: Likely benign. Last evaluated: 2024-05-02. Review status: criteria provided, single submitter. Criteria: ACMG Guidelines, 2015. Collection method: clinical testing. Allele origin: germline.

PreventionGenetics, part of Exact Sciences
Classification: Likely benign for DAAM2-related condition. Last evaluated: 2024-05-14. Review status: no assertion criteria provided. Collection method: clinical testing. Allele origin: germline. Not counted in ClinVar's aggregate classification.
Comment: This variant is classified as likely benign based on ACMG/AMP sequence variant interpretation guidelines (Richards et al. 2015 PMID: 25741868, with internal and published modifications).

NM_001201427.2(DAAM2):c.2812-4A>C

Gene: DAAM2 (dishevelled associated activator of morphogenesis 2; plus strand). Cytogenetic location: 6p21.2.
Variant type: single nucleotide variant.
Coding change: c.2812-4A>C on transcript NM_001201427.2 (MANE Select); 4 bases into the intron before coding-DNA position 2812, A replaced by C.
Molecular consequence: intron variant.
Genome position (GRCh38, 1-based): chr6:39,901,298, A>C. VCF-style: chr6-39901298-A-C. GRCh37 (hg19) VCF-style: chr6-39869074-A-C.
Other names: c.2809-4A>C (NM_015345.4).
Identifiers: ClinVar variation 3349809 (VCV003349809.10).
Genomic context (GRCh38, chr6:39,901,298, plus strand): 5'-CTCAGGGGCTGAGCCCAGCATGCTCCAGGGCACTCTCCACCAATCCTGTTCTGTCCCTTG[A>C]CAGTTCGCCAAGGCCTTGATGCACTTCGGGGAGCATGACAGCAAGATGCAGCCAGACGAA-3'